The following is an entry in ClinVar:

ClinVar aggregate classification (germline): Uncertain significance. Review status: criteria provided, multiple submitters, no conflicts (2 of 4 stars). 2 submissions from 2 submitters: Uncertain significance (2). Last evaluated 2026-01-15.

Conditions:
Neutral 1 amino acid transport defect (HND). Also called: Hartnup disease; HARTNUP DISORDER. Identifiers: Orphanet 2116, MedGen C0018609, MONDO:0009324, OMIM 234500.
Iminoglycinuria. Identifiers: Orphanet 42062, MedGen C0268654, MONDO:0009448, OMIM 242600.
Hyperglycinuria. Also called: GLYCINURIA WITH OR WITHOUT OXALATE NEPHROLITHIASIS; GLYCINURIA WITH OR WITHOUT OXALATE UROLITHIASIS; IMINOGLYCINURIA TYPE II. Identifiers: MedGen C0543541, MONDO:0007677, OMIM 138500, HP:0003108.

Allele frequency attached by ClinVar (database versions not stated): gnomAD 0.00002; TOPMed 0.00002; gnomAD exomes 0.00004; ExAC 0.00006.

Submissions (2):

Labcorp Genetics (formerly Invitae), Labcorp
Classification: Uncertain significance. Last evaluated: 2026-01-15. Review status: criteria provided, single submitter. Criteria: Invitae Variant Classification Sherloc (09022015). Collection method: clinical testing. Allele origin: germline.
Comment: This sequence change replaces proline, which is neutral and non-polar, with leucine, which is neutral and non-polar, at codon 33 of the SLC6A19 protein (p.Pro33Leu). This variant is present in population databases (rs766566496, gnomAD 0.006%). This variant has not been reported in the literature in individuals affected with SLC6A19-related conditions. ClinVar contains an entry for this variant (Variation ID: 1517264). Invitae Evidence Modeling of protein sequence and biophysical properties (such as structural, functional, and spatial information, amino acid conservation, physicochemical variation, residue mobility, and thermodynamic stability) has been performed for this missense variant. However, the output from this modeling did not meet the statistical confidence thresholds required to predict the impact of this variant on SLC6A19 protein function. In summary, the available evidence is currently insufficient to determine the role of this variant in disease. Therefore, it has been classified as a Variant of Uncertain Significance.

Fulgent Genetics
Classification: Uncertain significance for Hyperglycinuria; Neutral 1 amino acid transport defect; Iminoglycinuria. Last evaluated: 2021-12-31. Review status: criteria provided, single submitter. Criteria: ACMG Guidelines, 2015. Collection method: clinical testing. Allele origin: unknown.

NM_001003841.3(SLC6A19):c.98C>T (p.Pro33Leu)

Gene: SLC6A19 (solute carrier family 6 member 19; plus strand). Cytogenetic location: 5p15.33.
Variant type: single nucleotide variant.
Coding change: c.98C>T on transcript NM_001003841.3 (MANE Select); coding-DNA position 98, C replaced by T.
Protein change: p.Pro33Leu; replaces proline 33 with leucine.
Molecular consequence: missense variant.
Genome position (GRCh38, 1-based): chr5:1,201,748, C>T. VCF-style: chr5-1201748-C-T. GRCh37 (hg19) VCF-style: chr5-1201863-C-T.
Other names: short protein forms P33L.
Identifiers: ClinVar variation 1517264 (VCV001517264.7), dbSNP rs766566496, ClinGen allele CA3182563.